The following is an entry in ClinVar:

ClinVar aggregate classification (germline): Conflicting classifications of pathogenicity. Review status: criteria provided, conflicting classifications (1 of 4 stars). 4 submissions from 4 submitters: Pathogenic (1); Uncertain significance (3). Last evaluated 2026-02-24.

Conditions:
Inborn genetic diseases. Identifiers: MedGen C0950123, MeSH D030342.
Intellectual disability, autosomal dominant 14 (CSS2). Also called: COFFIN-SIRIS SYNDROME 2. Identifiers: Orphanet 1465, MedGen C3553247, MONDO:0013819, OMIM 614607.

Submissions (4):

GeneDx
Classification: Pathogenic. Last evaluated: 2026-02-24. Review status: criteria provided, single submitter. Criteria: GeneDx Variant Classification Process June 2021. Collection method: clinical testing. Allele origin: germline.
Comment: Not observed at significant frequency in large population cohorts (gnomAD); In silico analysis supports that this missense variant has a deleterious effect on protein structure/function; Has not been previously published as pathogenic or benign to our knowledge

Ambry Genetics
Classification: Uncertain significance for Inborn genetic diseases. Last evaluated: 2026-02-12. Review status: criteria provided, single submitter. Criteria: Ambry Variant Classification Scheme 2023. Collection method: clinical testing. Allele origin: germline.
Comment: The c.3049G>A (p.E1017K) alteration is located in exon 11 (coding exon 11) of the ARID1A gene. This alteration results from a G to A substitution at nucleotide position 3049, causing the glutamic acid (E) at amino acid position 1017 to be replaced by a lysine (K). This variant was not reported in population-based cohorts in the Genome Aggregation Database (gnomAD). This variant was reported in individual(s) with uncertain phenotypic overlap with Coffin-Siris syndrome; in at least one individual, it was determined to be de novo (external communication). This amino acid position is highly conserved in available vertebrate species. The in silico prediction for this alteration is inconclusive. Based on insufficient or conflicting evidence, the clinical significance of this alteration remains unclear.

Daryl Scott Lab, Baylor College of Medicine
Classification: Uncertain significance for Intellectual disability, autosomal dominant 14. Last evaluated: 2024-01-01. Review status: criteria provided, single submitter. Criteria: ACMG Guidelines, 2015. Collection method: clinical testing. Allele origin: de novo. Observed: 1 heterozygote.
Comment: PS2, PM2

Baylor Genetics
Classification: Uncertain significance for Intellectual disability, autosomal dominant 14. Last evaluated: 2020-09-05. Review status: criteria provided, single submitter. Criteria: ACMG Guidelines, 2015. Collection method: clinical testing. Allele origin: de novo. Affected: yes.
Comment: This variant was determined to be of uncertain significance according to ACMG Guidelines, 2015 [PMID:25741868].

NM_006015.6(ARID1A):c.3049G>A (p.Glu1017Lys)

Gene: ARID1A (AT-rich interaction domain 1A; plus strand). Cytogenetic location: 1p36.11.
Variant type: single nucleotide variant.
Coding change: c.3049G>A on transcript NM_006015.6 (MANE Select); coding-DNA position 3049, G replaced by A.
Protein change: p.Glu1017Lys; replaces glutamic acid 1017 with lysine.
Molecular consequence: missense variant.
Genome position (GRCh38, 1-based): chr1:26,767,850, G>A. VCF-style: chr1-26767850-G-A. GRCh37 (hg19) VCF-style: chr1-27094341-G-A.
Other names: c.3049G>A, p.Glu1017Lys (NM_139135.4); short protein forms E1017K.
Identifiers: ClinVar variation 1028992 (VCV001028992.4), dbSNP rs2081052425, ClinGen allele CA339163048.
Genomic context (GRCh38, chr1:26,767,850, plus strand): 5'-AAATCCAGTTCTTCTACTACAACCAATGAGAAGATCACCAAGTTGTATGAGCTGGGTGGT[G>A]AGCCTGAGAGGAAGATGTGGGTGGACCGTTATCTGGCCTTCACTGAGGAGAAGGCCATGG-3'
Protein context (NP_006006.3, residues 1007-1027): KITKLYELGG[Glu1017Lys]PERKMWVDRY